The following is an entry in ClinVar:

NM_005629.4(SLC6A8):c.1456C>T (p.Gln486Ter)

Gene: SLC6A8 (solute carrier family 6 member 8; plus strand). Cytogenetic location: Xq28.
Variant type: single nucleotide variant.
Coding change: c.1456C>T on transcript NM_005629.4 (MANE Select); coding-DNA position 1456, C replaced by T.
Protein change: p.Gln486Ter; replaces glutamine 486 with a stop codon.
Molecular consequence: nonsense.
Genome position (GRCh38, 1-based): chrX:153,694,407, C>T. VCF-style: chrX-153694407-C-T. GRCh37 (hg19) VCF-style: chrX-152959862-C-T.
Other names: NM_001142805.2:c.1426C>T; c.1456C>T (NM_005629.3); c.1426C>T, p.Gln476Ter (NM_001142805.2); c.1111C>T, p.Gln371Ter (NM_001142806.1); short protein forms Q371*, Q476*, Q486*.
Identifiers: ClinVar variation 2583093 (VCV002583093.2), dbSNP rs2522167571, ClinGen allele CA415087684.

ClinVar aggregate classification (germline): Pathogenic. Review status: reviewed by expert panel (3 of 4 stars). 2 submissions from 2 submitters: Pathogenic (1). 1 of the submissions does not count toward it. Last evaluated 2023-08-07.

Conditions:
Creatine transporter deficiency (CCDS1). Also called: CEREBRAL CREATINE DEFICIENCY SYNDROME 1; Creatine Transporter (CRTR) Deficiency; Mental retardation , X-linked with seizures, short stature and midface hypoplasia; Mental retardation , X-linked, with creatine transport deficiency; X-linked creatine transporter deficiency; X-linked creatine deficiency syndrome. Identifiers: Orphanet 52503, MedGen C1845862, MONDO:0010305, OMIM 300352.

Submissions (2):

ClinGen Cerebral Creatine Deficiency Syndromes Variant Curation Expert Panel, ClinGen
Classification: Pathogenic for Creatine transporter deficiency. Last evaluated: 2023-08-07. Review status: reviewed by expert panel. Criteria: ClinGen_CCDS_ACMG_Specifications_SLC6A8_v1.1. Collection method: curation. Allele origin: germline. Inheritance: X-linked inheritance.
Comment: The NM_005629.4:c.1456C>T (p.Gln486Ter) variant in SLC6A8 is a nonsense variant predicted to cause a premature stop codon in biologically relevant exon 10/13 leading to nonsense mediated decay in a gene in which loss-of-function is an established disease mechanism (PVS1). The variant is absent in gnomAD v2.1.1. (PM2_Supporting). There is no ClinVar entry for this variant. In summary, this variant meets criteria to be classified as pathogenic for creatine transporter deficiency. SLC6A8-specific criteria applied, as specified by the ClinGen CCDS VCEP (Specifications Version 1.1.0): PVS1, PP4_Strong, PM2_Supporting. (Classification approved by the ClinGen CCDS VCEP, August 7, 2023)

GeneDx
Classification: Pathogenic. Last evaluated: 2024-04-22. Review status: criteria provided, single submitter. Criteria: GeneDx Variant Classification Process June 2021. Collection method: clinical testing. Allele origin: germline. Affected: yes. Not counted in ClinVar's aggregate classification.
Comment: Nonsense variant predicted to result in protein truncation or nonsense mediated decay in a gene for which loss of function is a known mechanism of disease; Not observed at significant frequency in large population cohorts (gnomAD); This variant is associated with the following publications: (PMID: 37708665, 22196490)